The following is an entry in ClinVar:

NM_000441.2(SLC26A4):c.890del (p.Pro297fs)

Gene: SLC26A4 (solute carrier family 26 member 4; plus strand). Cytogenetic location: 7q22.3.
Variant type: Deletion.
Coding change: c.890del on transcript NM_000441.2 (MANE Select); coding-DNA position 890, one base deleted (C; older notation c.890delC).
Protein change: p.Pro297fs; shifts the reading frame from proline 297.
Molecular consequence: frameshift variant.
Genome position (GRCh38, 1-based): chr7:107,683,326, C deleted; the last of 3 consecutive C bases (chr7:107,683,324-107,683,326); deleting any one gives the same sequence. VCF-style (leftmost placement, unchanged base first): chr7-107683323-TC-T. GRCh37 (hg19) VCF-style: chr7-107323768-TC-T.
Other names: short protein forms P297fs.
Identifiers: ClinVar variation 188977 (VCV000188977.45), dbSNP rs786204600, ClinGen allele CA274208.

ClinVar aggregate classification (germline): Pathogenic/Likely pathogenic. Review status: criteria provided, multiple submitters, no conflicts (2 of 4 stars). 6 submissions from 6 submitters: Pathogenic (4); Likely pathogenic (1). 1 of the submissions does not count toward it. Last evaluated 2025-01-16.

Conditions:
Autosomal recessive nonsyndromic hearing loss 4 (DFNB4). Also called: Nonsyndromic enlarged vestibular aqueduct (NSEVA); Deafness, autosomal recessive 4; Enlarged vestibular aqueduct, digenic; Deafness, autosomal recessive 4, with enlarged vestibular aqueduct; NEUROSENSORY NONSYNDROMIC RECESSIVE DEAFNESS 4; FOXI1-Related Pendred Syndrome. Identifiers: Orphanet 90636, MedGen C3538946, MONDO:0010933, OMIM 600791.
Pendred syndrome (PDS). Also called: DEAFNESS WITH GOITER; GOITER-DEAFNESS SYNDROME; HYPOTHYROIDISM, CONGENITAL, DUE TO DYSHORMONOGENESIS, 2B; Pendred's syndrome; Pendred Syndrome (PDS); THYROID DYSHORMONOGENESIS 2B. Identifiers: Orphanet 705, MedGen C0271829, MONDO:0010134, OMIM 274600.

Submissions (6):

Natera, Inc.
Classification: Pathogenic for Pendred syndrome. Last evaluated: 2025-01-16. Review status: criteria provided, single submitter. Criteria: Natera Variant Classification Schema (03/2026). Collection method: clinical testing. Allele origin: germline.
Comment: The c.890delC variant in SLC26A4 is a frameshift variant predicted to shift the reading frame beginning at codon 297 and leads to a stop codon 6 codons downstream. This variant is expected to result in nonsense mediated decay, truncation, or a dysfunctional protein product. This variant is rare in the general population with a frequency below the threshold expected for the associated phenotype(s). This variant has been observed in one or more individuals affected with the associated recessive disease, as either homozygous or compound heterozygous with a second variant (PMID: 16053392). Additionally, this variant has been observed to segregate in affected family members (PMID: 16053392). Given the available evidence, this variant is classified as Pathogenic.

Baylor Genetics
Classification: Pathogenic for Autosomal recessive nonsyndromic hearing loss 4. Last evaluated: 2024-01-21. Review status: criteria provided, single submitter. Criteria: ACMG Guidelines, 2015. Collection method: clinical testing. Allele origin: unknown.

Labcorp Genetics (formerly Invitae), Labcorp
Classification: Pathogenic. Last evaluated: 2024-01-21. Review status: criteria provided, single submitter. Criteria: Invitae Variant Classification Sherloc (09022015). Collection method: clinical testing. Allele origin: germline.
Comment: This sequence change creates a premature translational stop signal (p.Pro297Glnfs*6) in the SLC26A4 gene. It is expected to result in an absent or disrupted protein product. Loss-of-function variants in SLC26A4 are known to be pathogenic (PMID: 16283880, 25394566, 26252218, 26445815). This variant is not present in population databases (gnomAD no frequency). This premature translational stop signal has been observed in individual(s) with Pendred syndrome (PMID: 16053392). ClinVar contains an entry for this variant (Variation ID: 188977). Algorithms developed to predict the effect of sequence changes on RNA splicing suggest that this variant may disrupt the consensus splice site. For these reasons, this variant has been classified as Pathogenic.

Genome-Nilou Lab
Classification: Likely pathogenic for Pendred syndrome. Last evaluated: 2021-09-05. Review status: criteria provided, single submitter. Criteria: ACMG Guidelines, 2015. Collection method: clinical testing. Allele origin: germline. Affected: no.

CeGaT Center for Human Genetics Tuebingen
Classification: Pathogenic. Last evaluated: 2021-06-01. Review status: criteria provided, single submitter. Criteria: CeGaT Center For Human Genetics Tuebingen Variant Classification Criteria Version 2. Collection method: clinical testing. Allele origin: germline. Affected: yes. Observed: 1 variant allele.

Counsyl
Classification: Likely pathogenic for Pendred's syndrome. Last evaluated: 2014-09-23. Review status: no assertion criteria provided. Collection method: literature only. Allele origin: unknown. Inheritance: Autosomal recessive inheritance. Not counted in ClinVar's aggregate classification.

Literature cited by the submitters: PubMed 16053392 (cited by 3 submitters); PubMed 16283880 (cited by Labcorp Genetics (formerly Invitae), Labcorp); PubMed 25394566 (cited by Labcorp Genetics (formerly Invitae), Labcorp); PubMed 26252218 (cited by Labcorp Genetics (formerly Invitae), Labcorp); PubMed 26445815 (cited by Labcorp Genetics (formerly Invitae), Labcorp); PubMed 24051746 (cited by Counsyl).